The following is an entry in ClinVar:

ClinVar aggregate classification (germline): Uncertain significance (1 of 4 stars; one submission).

Conditions:
Autosomal recessive limb-girdle muscular dystrophy type 2J (LGMDR10). Also called: Limb-girdle muscular dystrophy, type 2J; MUSCULAR DYSTROPHY, LIMB-GIRDLE, AUTOSOMAL RECESSIVE 10. Identifiers: Orphanet 140922, MedGen C1837342, MONDO:0012127, OMIM 608807.
Dilated cardiomyopathy 1G (CMD1G). Identifiers: Orphanet 154, MedGen C1858763, MONDO:0011400, OMIM 604145.

gnomAD v4.1: 1 of 1,614,006 alleles (0.000062%); highest among the groups gnomAD compares: Non-Finnish European, 0.000085%; no homozygotes.

Submission:

Labcorp Genetics (formerly Invitae), Labcorp
Classification: Uncertain significance for Dilated cardiomyopathy 1G; Autosomal recessive limb-girdle muscular dystrophy type 2J. Last evaluated: 2024-03-07. Review status: criteria provided, single submitter. Criteria: Invitae Variant Classification Sherloc (09022015). Collection method: clinical testing. Allele origin: germline.
Comment: This sequence change replaces valine, which is neutral and non-polar, with aspartic acid, which is acidic and polar, at codon 35358 of the TTN protein (p.Val35358Asp). This variant is not present in population databases (gnomAD no frequency). This variant has not been reported in the literature in individuals affected with TTN-related conditions. ClinVar contains an entry for this variant (Variation ID: 466748). Experimental studies and prediction algorithms are not available or were not evaluated, and the functional significance of this variant is currently unknown. This variant is located in the M band of TTN (PMID: 25589632). Non-truncating variants in this region may be relevant for neuromuscular disorders, but have not been definitively shown to cause cardiomyopathy (PMID: 23975875). In summary, the available evidence is currently insufficient to determine the role of this variant in disease. Therefore, it has been classified as a Variant of Uncertain Significance.

Literature cited by the submitters: PubMed 25589632; PubMed 23975875.

NM_001267550.2(TTN):c.106073T>A (p.Val35358Asp)

Genes: TTN-AS1 (TTN antisense RNA 1; plus strand), TTN (titin; minus strand), LOC129935182 (ATAC-STARR-seq lymphoblastoid active region 16807; plus strand). Cytogenetic location: 2q31.2.
Variant type: single nucleotide variant.
Coding change: c.106073T>A on transcript NM_001267550.2 (MANE Select); coding-DNA position 106073, T replaced by A.
Protein change: p.Val35358Asp; replaces valine 35358 with aspartic acid.
Molecular consequence: missense variant.
Genome position (GRCh38, 1-based): chr2:178,530,542, A>T on the plus strand (T>A on the coding strand, the complement: TTN is on the minus strand). VCF-style: chr2-178530542-A-T. GRCh37 (hg19) VCF-style: chr2-179395269-A-T.
Other names: c.101150T>A, p.Val33717Asp (NM_001256850.1); c.78878T>A, p.Val26293Asp (NM_003319.4); c.98369T>A, p.Val32790Asp (NM_133378.4); c.79253T>A, p.Val26418Asp (NM_133432.3); c.79454T>A, p.Val26485Asp (NM_133437.4); short protein forms V35358D, V32790D, V26293D, V33717D, V26418D, V26485D.
Identifiers: ClinVar variation 466748 (VCV000466748.7), dbSNP rs1172243981, ClinGen allele CA349407094.